The following is an entry in ClinVar:

ClinVar aggregate classification (germline): Likely benign. Review status: criteria provided, multiple submitters, no conflicts (2 of 4 stars). 3 submissions from 3 submitters: Likely benign (3). Last evaluated 2025-05-21.

Conditions:
Congenital stationary night blindness autosomal dominant 3. Also called: NIGHT BLINDNESS, CONGENITAL STATIONARY, NOUGARET TYPE. Identifiers: Orphanet 215, MedGen C1864870, MONDO:0012497, OMIM 610444.

Allele frequency attached by ClinVar (database versions not stated): TOPMed 0.00001; gnomAD exomes 0.00002 and 0.00003; gnomAD 0.00003 and 0.00004; ExAC 0.00005; ESP Exome Variant Server 0.00008.
gnomAD v4.1: 47 of 1,612,564 alleles (0.0029%); highest among the groups gnomAD compares: Non-Finnish European, 0.0038%; no homozygotes.

Submissions (3):

Labcorp Genetics (formerly Invitae), Labcorp
Classification: Likely benign. Last evaluated: 2025-05-21. Review status: criteria provided, single submitter. Criteria: Invitae Variant Classification Sherloc (09022015). Collection method: clinical testing. Allele origin: germline.

Blueprint Genetics
Classification: Likely benign. Last evaluated: 2024-08-26. Review status: criteria provided, single submitter. Criteria: ACMG Guidelines, 2015. Collection method: clinical testing. Allele origin: germline.

Illumina Laboratory Services, Illumina
Classification: Likely benign for Congenital stationary night blindness autosomal dominant 3. Last evaluated: 2018-01-12. Review status: criteria provided, single submitter. Criteria: ICSL Variant Classification Criteria 13 December 2019. Collection method: clinical testing. Allele origin: germline.
Comment: This variant was observed in the ICSL laboratory as part of a predisposition screen in an ostensibly healthy population. It had not been previously curated by ICSL or reported in the Human Gene Mutation Database (HGMD: prior to June 1st, 2018), and was therefore a candidate for classification through an automated scoring system. Utilizing variant allele frequency, disease prevalence and penetrance estimates, and inheritance mode, an automated score was calculated to assess if this variant is too frequent to cause the disease. Based on the score and internal cut-off values, a variant classified as likely benign is not then subjected to further curation. The score for this variant resulted in a classification of likely benign for this disease.

NM_144499.3(GNAT1):c.15C>T (p.Ala5=)

Gene: GNAT1 (G protein subunit alpha transducin 1; plus strand). Cytogenetic location: 3p21.31.
Variant type: single nucleotide variant.
Coding change: c.15C>T on transcript NM_144499.3 (MANE Select); coding-DNA position 15, C replaced by T.
Protein change: p.Ala5=; no amino-acid change (alanine 5 retained).
Molecular consequence: synonymous variant.
Genome position (GRCh38, 1-based): chr3:50,191,740, C>T. VCF-style: chr3-50191740-C-T. GRCh37 (hg19) VCF-style: chr3-50229173-C-T.
Other names: c.15C>T, p.Ala5= (NM_000172.4).
Identifiers: ClinVar variation 900878 (VCV000900878.12), dbSNP rs376502535, ClinGen allele CA2412418.
Genomic context (GRCh38, chr3:50,191,740, plus strand): 5'-AGAAGAACCACCTGCTCACTCTGTCCCTTCGCCTGCTGCTGGGACCATGGGGGCTGGGGC[C>T]AGTGCTGAGGAGAAGCACTCCAGGGAGCTGGAAAAGAAGCTGAAAGAGGACGCTGAGAAG-3'
Protein context (NP_653082.1, residues 1-15): MGAG[Ala5=]SAEEKHSREL